The following is an entry in ClinVar:

ClinVar aggregate classification (germline): Benign. Review status: criteria provided, multiple submitters, no conflicts (2 of 4 stars). 2 submissions from 2 submitters: Benign (2). Last evaluated 2018-01-13.

Conditions:
Epilepsy, idiopathic generalized, susceptibility to, 13. Also called: EPILEPSY, JUVENILE MYOCLONIC, SUSCEPTIBILITY TO, 5. Identifiers: Orphanet 307, Orphanet 64280, MedGen C4013473, MONDO:0012627, OMIM 611136.

Allele frequency attached by ClinVar (database versions not stated): gnomAD exomes 0.10891; gnomAD 0.13210 and 0.13578; TOPMed 0.13321; 1000 Genomes Project 30x 0.17083; 1000 Genomes Project 0.17412.
gnomAD v4.1: 20,481 of 151,944 alleles (13%); highest among the groups gnomAD compares: East Asian, 28%; 1,623 homozygotes.

Submissions (2):

Illumina Laboratory Services, Illumina
Classification: Benign for Epilepsy, idiopathic generalized, susceptibility to, 13. Last evaluated: 2018-01-13. Review status: criteria provided, single submitter. Criteria: ICSL Variant Classification Criteria 13 December 2019. Collection method: clinical testing. Allele origin: germline.
Comment: This variant was observed in the ICSL laboratory as part of a predisposition screen in an ostensibly healthy population. It had not been previously curated by ICSL or reported in the Human Gene Mutation Database (HGMD: prior to June 1st, 2018), and was therefore a candidate for classification through an automated scoring system. Utilizing variant allele frequency, disease prevalence and penetrance estimates, and inheritance mode, an automated score was calculated to assess if this variant is too frequent to cause the disease. Based on the score and internal cut-off values, a variant classified as benign is not then subjected to further curation. The score for this variant resulted in a classification of benign for this disease.

GeneDx
Classification: Benign. Last evaluated: 2015-03-03. Review status: criteria provided, single submitter. Criteria: GeneDx Variant Classification Process June 2021. Collection method: clinical testing. Allele origin: germline. Affected: yes.

NM_001127644.2(GABRA1):c.-31C>T

Gene: GABRA1 (gamma-aminobutyric acid type A receptor subunit alpha1; plus strand). Cytogenetic location: 5q34.
Variant type: single nucleotide variant.
Coding change: c.-31C>T on transcript NM_001127644.2 (MANE Select); 31 bases upstream of the start codon, C replaced by T.
Molecular consequence: 5 prime UTR variant.
Genome position (GRCh38, 1-based): chr5:161,848,407, C>T. VCF-style: chr5-161848407-C-T. GRCh37 (hg19) VCF-style: chr5-161275413-C-T.
Other names: c.-31C>T (NM_000806.5, NM_001127643.2).
Identifiers: ClinVar variation 352594 (VCV000352594.7), dbSNP rs4608967, ClinGen allele CA10623838.